The following is an entry in ClinVar:

ClinVar aggregate classification (germline): Pathogenic/Likely pathogenic. Review status: criteria provided, multiple submitters, no conflicts (2 of 4 stars). 3 submissions from 3 submitters: Pathogenic (1); Likely pathogenic (2). Last evaluated 2026-03-24.

Conditions:
Niemann-Pick disease, type C1. Also called: NIEMANN-PICK DISEASE, VARIANT TYPE C1; NEUROVISCERAL STORAGE DISEASE WITH VERTICAL SUPRANUCLEAR OPHTHALMOPLEGIA; NIEMANN-PICK DISEASE WITH CHOLESTEROL ESTERIFICATION BLOCK; NIEMANN-PICK DISEASE WITHOUT SPHINGOMYELINASE DEFICIENCY; NIEMANN-PICK DISEASE, CHRONIC NEURONOPATHIC FORM. Identifiers: Orphanet 646, MedGen C3179455, MONDO:0009757, OMIM 257220.

Allele frequency attached by ClinVar (database versions not stated): TOPMed 0.00001.
gnomAD v4.1: 3 of 1,527,112 alleles (0.0002%); no homozygotes.

Submissions (3):

Myriad Genetics, Inc.
Classification: Likely pathogenic for Niemann-Pick disease, type C1. Last evaluated: 2026-03-24. Review status: criteria provided, single submitter. Criteria: Myriad Autosomal Dominant, Autosomal Recessive and X-Linked Classification Criteria (2023). Collection method: clinical testing. Allele origin: unknown.
Comment: NM_000271.4(NPC1):c.2604+5G>A is an intronic variant classified as likely pathogenic in the context of Niemann-Pick disease type C1. c.2604+5G>A has been observed in cases with relevant disease (PMID: 20718790). Relevant functional assessments of this variant are available in the literature (PMID: 20718790). c.2604+5G>A has not been observed in referenced population frequency databases. In summary, NM_000271.4(NPC1):c.2604+5G>A is an intronic variant that has functional support for pathogenicity and has been observed more frequently in cases with the relevant disease than in healthy populations. Please note: this variant was assessed in the context of healthy population screening.

Natera, Inc.
Classification: Likely pathogenic for Niemann-Pick disease type C1. Last evaluated: 2025-10-09. Review status: criteria provided, single submitter. Criteria: Natera Variant Classification Schema (03/2026). Collection method: clinical testing. Allele origin: germline.
Comment: The c.2604+5G>A variant in NPC1 is an intronic variant located outside the canonical splice sites. This variant is rare in the general population with a frequency below the threshold expected for the associated phenotype(s). This variant has been observed in one or more individuals affected with the associated recessive disease, as either homozygous or compound heterozygous with a second variant (PMID: 20718790). Functional studies show that this variant may disrupt protein function (PMID: 20718790). Computational prediction algorithms indicate this variant is likely to affect gene or protein function. Given the available evidence, this variant is classified as Likely Pathogenic.

Labcorp Genetics (formerly Invitae), Labcorp
Classification: Pathogenic for Niemann-Pick disease, type C1. Last evaluated: 2024-03-10. Review status: criteria provided, single submitter. Criteria: Invitae Variant Classification Sherloc (09022015). Collection method: clinical testing. Allele origin: germline.
Comment: This sequence change falls in intron 17 of the NPC1 gene. It does not directly change the encoded amino acid sequence of the NPC1 protein. RNA analysis indicates that this variant induces altered splicing and likely results in a shortened protein product. This variant is not present in population databases (gnomAD no frequency). This variant has been observed in individual(s) with Niemann–Pick C disease (PMID: 20718790). ClinVar contains an entry for this variant (Variation ID: 1369770). Variants that disrupt the consensus splice site are a relatively common cause of aberrant splicing (PMID: 17576681, 9536098). Studies have shown that this variant results in skipping of exon 17, but is expected to preserve the integrity of the reading-frame (PMID: 20718790). For these reasons, this variant has been classified as Pathogenic.

Literature cited by the submitters: PubMed 20718790 (cited by 3 submitters); PubMed 17576681 (cited by Labcorp Genetics (formerly Invitae), Labcorp); PubMed 9536098 (cited by Labcorp Genetics (formerly Invitae), Labcorp).

NM_000271.5(NPC1):c.2604+5G>A

Gene: NPC1 (NPC intracellular cholesterol transporter 1; minus strand). Cytogenetic location: 18q11.2.
Variant type: single nucleotide variant.
Coding change: c.2604+5G>A on transcript NM_000271.5 (MANE Select); 5 bases into the intron after coding-DNA position 2604, G replaced by A.
Molecular consequence: intron variant.
Genome position (GRCh38, 1-based): chr18:23,540,443, C>T on the plus strand (G>A on the coding strand, the complement: NPC1 is on the minus strand). VCF-style: chr18-23540443-C-T. GRCh37 (hg19) VCF-style: chr18-21120407-C-T.
Other names: c.2604+5G>A (NM_000271.4).
Identifiers: ClinVar variation 1369770 (VCV001369770.8), dbSNP rs2058697907, ClinGen allele CA2290166229.